The following is an entry in ClinVar:

ClinVar aggregate classification (germline): Benign. Review status: reviewed by expert panel (3 of 4 stars). 7 submissions from 7 submitters: Benign (1). 6 of the submissions do not count toward it. Last evaluated 2024-07-29.

Conditions:
T-cell immunodeficiency, congenital alopecia, and nail dystrophy. Also called: Congenital alopecia and nail dystrophy associated with severe functional T-cell immunodeficiency; Pignata Guarino syndrome. Identifiers: Orphanet 169095, MedGen C1866426, MONDO:0011132, OMIM 601705.

Allele frequency attached by ClinVar (database versions not stated): 1000 Genomes Project 30x 0.01062; 1000 Genomes Project 0.01198; TOPMed 0.02389; ESP Exome Variant Server 0.02945; gnomAD 0.02998 and 0.03097; gnomAD exomes 0.03085 and 0.04399; ExAC 0.03188.
gnomAD v4.1: 68,101 of 1,614,016 alleles (4.2%); highest among the groups gnomAD compares: Non-Finnish European, 5.1%; 1,893 homozygotes.

Submissions (7):

ClinGen Severe Combined Immunodeficiency Variant Curation Expert Panel, ClinGen
Classification: Benign for T-cell immunodeficiency, congenital alopecia, and nail dystrophy. Last evaluated: 2024-07-29. Review status: reviewed by expert panel. Criteria: ClinGen SCID ACMG Specifications FOXN1 V1.0.0. Collection method: curation. Allele origin: germline. Inheritance: Semidominant inheritance.
Comment: The NM_001369369.1(FOXN1):c.1288C>T (p.Pro430Ser) missense variant has a gnomAD popmax filtering allele frequency of 0.04634 based on 6036/128650 alleles in the European (non-Finnish) population, which is greater than >0.00447 and thus meets BA1. The variant has a REVEL score of 0.168, which is less than 0.290 and thus meets criteria for BP4, suggesting no effect on gene function. Of note, this variant has been reported (PMID: 31566583) in the context of T cell immunodeficiency, however it was in trans with c.1465del which is considered to be the causal variant. Pro430Ser is not considered to contribute to the phenotype, which is consistent with functional studies of the variant which found the variant had no significant effect on expression or Luciferase activity compared to WT (PMID: 31566583) and a heterozygous mouse model was unaffected (PMID: 37419334). In summary this variant meets criteria to be classified as benign for semidominant T-cell immunodeficiency, congenital alopecia, and nail dystrophy based on the ACMG/AMP criteria, as specified by the ClinGen SCID VCEP: BA1, BP4.

Labcorp Genetics (formerly Invitae), Labcorp
Classification: Benign for T-cell immunodeficiency, congenital alopecia, and nail dystrophy. Last evaluated: 2026-02-04. Review status: criteria provided, single submitter. Criteria: Invitae Variant Classification Sherloc (09022015). Collection method: clinical testing. Allele origin: germline. Not counted in ClinVar's aggregate classification.

Women's Health and Genetics/Laboratory Corporation of America, LabCorp
Classification: Likely benign. Last evaluated: 2021-12-10. Review status: criteria provided, single submitter. Criteria: LabCorp Variant Classification Summary - May 2015. Collection method: clinical testing. Allele origin: germline. Not counted in ClinVar's aggregate classification.

Illumina Laboratory Services, Illumina
Classification: Benign for T-cell immunodeficiency, congenital alopecia, and nail dystrophy. Last evaluated: 2018-01-13. Review status: criteria provided, single submitter. Criteria: ICSL Variant Classification Criteria 13 December 2019. Collection method: clinical testing. Allele origin: germline. Not counted in ClinVar's aggregate classification.
Comment: This variant was observed in the ICSL laboratory as part of a predisposition screen in an ostensibly healthy population. It had not been previously curated by ICSL or reported in the Human Gene Mutation Database (HGMD: prior to June 1st, 2018), and was therefore a candidate for classification through an automated scoring system. Utilizing variant allele frequency, disease prevalence and penetrance estimates, and inheritance mode, an automated score was calculated to assess if this variant is too frequent to cause the disease. Based on the score and internal cut-off values, a variant classified as benign is not then subjected to further curation. The score for this variant resulted in a classification of benign for this disease.

GeneDx
Classification: Benign. Last evaluated: 2016-04-07. Review status: criteria provided, single submitter. Criteria: GeneDx Variant Classification (06012015). Collection method: clinical testing. Allele origin: germline. Affected: yes. Not counted in ClinVar's aggregate classification.
Comment: This variant is considered likely benign or benign based on one or more of the following criteria: it is a conservative change, it occurs at a poorly conserved position in the protein, it is predicted to be benign by multiple in silico algorithms, and/or has population frequency not consistent with disease.

Laboratory for Molecular Medicine, Mass General Brigham Personalized Medicine
Classification: Benign. Last evaluated: 2016-03-28. Review status: criteria provided, single submitter. Criteria: LMM Criteria. Collection method: clinical testing. Allele origin: germline. Not counted in ClinVar's aggregate classification.
Comment: Variant identified in a genome or exome case(s) and assessed due to predicted null impact of the variant or pathogenic assertions in the literature or databases. Disclaimer: This variant has not undergone full assessment. The following are preliminary notes: Frequency

Breakthrough Genomics
Classification: Likely benign. Review status: criteria provided, single submitter. Criteria: ACMG Guidelines, 2015. Collection method: not provided. Allele origin: germline. Inheritance: Autosomal recessive inheritance. Affected: yes. Not counted in ClinVar's aggregate classification.

NM_001369369.1(FOXN1):c.1288C>T (p.Pro430Ser)

Gene: FOXN1 (forkhead box N1; plus strand). Cytogenetic location: 17q11.2.
Variant type: single nucleotide variant.
Coding change: c.1288C>T on transcript NM_001369369.1 (MANE Select); coding-DNA position 1288, C replaced by T.
Protein change: p.Pro430Ser; replaces proline 430 with serine.
Molecular consequence: missense variant.
Genome position (GRCh38, 1-based): chr17:28,534,859, C>T. VCF-style: chr17-28534859-C-T. GRCh37 (hg19) VCF-style: chr17-26861877-C-T.
Other names: NM_001369369.1(FOXN1):c.1288C>T; c.1288C>T, p.Pro430Ser (NM_003593.3); short protein forms P430S.
Identifiers: ClinVar variation 322430 (VCV000322430.18), dbSNP rs61749867, ClinGen allele CA8459494.